The following is an entry in ClinVar:

NM_001370259.2(MEN1):c.183C>T (p.Leu61=)

Gene: MEN1 (menin 1; minus strand). Cytogenetic location: 11q13.1.
Variant type: single nucleotide variant.
Coding change: c.183C>T on transcript NM_001370259.2 (MANE Select); coding-DNA position 183, C replaced by T.
Protein change: p.Leu61=; no amino-acid change (leucine 61 retained).
Molecular consequence: synonymous variant. On other transcripts: non-coding transcript variant (4).
Genome position (GRCh38, 1-based): chr11:64,809,927, G>A on the plus strand (C>T on the coding strand, the complement: MEN1 is on the minus strand). VCF-style: chr11-64809927-G-A. GRCh37 (hg19) VCF-style: chr11-64577399-G-A.
Other names: c.183C>T, p.Leu61= (NM_000244.4, NM_001370251.2, NM_001370260.2 and 20 more transcripts).
Identifiers: ClinVar variation 2455646 (VCV002455646.6), dbSNP rs1555166622, ClinGen allele CA475163879.

ClinVar aggregate classification (germline): Likely benign. Review status: criteria provided, multiple submitters, no conflicts (2 of 4 stars). 3 submissions from 3 submitters: Likely benign (3). Last evaluated 2024-03-12.

Conditions:
Hereditary cancer-predisposing syndrome. Also called: Hereditary neoplastic syndrome; Tumor predisposition; Neoplastic Syndromes, Hereditary; Hereditary Cancer Syndrome. Identifiers: Orphanet 140162, MedGen C0027672, MeSH D009386, MONDO:0015356.
Multiple endocrine neoplasia, type 1 (MEN1). Also called: MEN I; WERMER SYNDROME; MEA I; Endocrine adenomatosis multiple; MEN 1. Identifiers: Orphanet 652, MedGen C0025267, MeSH D018761, MONDO:0007540, OMIM 131100.

Submissions (3):

Labcorp Genetics (formerly Invitae), Labcorp
Classification: Likely benign for Multiple endocrine neoplasia, type 1. Last evaluated: 2024-03-12. Review status: criteria provided, single submitter. Criteria: Invitae Variant Classification Sherloc (09022015). Collection method: clinical testing. Allele origin: germline.

All of Us Research Program, National Institutes of Health
Classification: Likely benign for Multiple endocrine neoplasia, type 1. Last evaluated: 2023-08-28. Review status: criteria provided, single submitter. Criteria: ACMG Guidelines, 2015. Collection method: clinical testing. Allele origin: germline. Inheritance: Autosomal dominant inheritance. Observed: 1 variant allele, 1 heterozygote.
Comment: This study involves interpretation of variants in research participants for the purpose of population health screening. Participant phenotype was not available at the time of variant classification. Additional details can be found in publication PMID: 35346344, PMCID: PMC8962531

Ambry Genetics
Classification: Likely benign for Hereditary cancer-predisposing syndrome. Last evaluated: 2022-12-01. Review status: criteria provided, single submitter. Criteria: Ambry Variant Classification Scheme 2023. Collection method: clinical testing. Allele origin: germline.